The following is an entry in ClinVar:

ClinVar aggregate classification (germline): Uncertain significance (1 of 4 stars; one submission).

Conditions:
Familial thoracic aortic aneurysm and aortic dissection (TAAD). Also called: Thoracic aortic aneurysms and dissections. Identifiers: Orphanet 91387, MedGen C4707243, MONDO:0019625.

Submission:

All of Us Research Program, National Institutes of Health
Classification: Uncertain significance for Familial thoracic aortic aneurysm and aortic dissection. Last evaluated: 2023-05-16. Review status: criteria provided, single submitter. Criteria: ACMG Guidelines, 2015. Collection method: clinical testing. Allele origin: germline. Inheritance: Autosomal dominant inheritance. Observed: 1 variant allele, 1 heterozygote.
Comment: This missense variant replaces phenylalanine with serine at codon 426 of the MYH11 protein. Computational prediction suggests that this variant may have deleterious impact on protein structure and function (internally defined REVEL score threshold >= 0.7, PMID: 27666373). To our knowledge, functional studies have not been reported for this variant. This variant has not been reported in individuals affected with MYH11-related disorders in the literature. This variant has not been identified in the general population by the Genome Aggregation Database (gnomAD). The available evidence is insufficient to determine the role of this variant in disease conclusively. Therefore, this variant is classified as a Variant of Uncertain Significance.

This study involves interpretation of variants in research participants for the purpose of population health screening. Participant phenotype was not available at the time of variant classification. Additional details can be found in publication PMID: 35346344, PMCID: PMC8962531

NM_002474.3(MYH11):c.1256T>C (p.Phe419Ser)

Gene: MYH11 (myosin heavy chain 11; minus strand). Cytogenetic location: 16p13.11.
Variant type: single nucleotide variant.
Coding change: c.1256T>C on transcript NM_002474.3 (MANE Select); coding-DNA position 1256, T replaced by C.
Protein change: p.Phe419Ser; replaces phenylalanine 419 with serine.
Molecular consequence: missense variant.
Genome position (GRCh38, 1-based): chr16:15,759,721, A>G on the plus strand (T>C on the coding strand, the complement: MYH11 is on the minus strand). VCF-style: chr16-15759721-A-G. GRCh37 (hg19) VCF-style: chr16-15853578-A-G.
Other names: c.1277T>C, p.Phe426Ser (NM_001040113.2, NM_001040114.2); c.1256T>C, p.Phe419Ser (NM_022844.3); short protein forms F419S, F426S.
Identifiers: ClinVar variation 3071076 (VCV003071076.1), dbSNP rs2506400693, ClinGen allele CA394872706.